The following is an entry in ClinVar:

ClinVar aggregate classification (germline): Benign/Likely benign. Review status: criteria provided, multiple submitters, no conflicts (2 of 4 stars). 3 submissions from 3 submitters: Benign (1); Likely benign (2). Last evaluated 2025-10-24.

Conditions:
Multiple endocrine neoplasia, type 2 (MEN2). Identifiers: Orphanet 653, MedGen C4048306, MONDO:0019003. Disease mechanism: gain of function.
Hereditary cancer-predisposing syndrome. Also called: Tumor predisposition; Hereditary Cancer Syndrome; Neoplastic Syndromes, Hereditary; Hereditary neoplastic syndrome. Identifiers: Orphanet 140162, MedGen C0027672, MeSH D009386, MONDO:0015356.
Multiple endocrine neoplasia type 2A. Also called: Multiple Endocrine Neoplasia Type 2A (MEN2A); MULTIPLE ENDOCRINE NEOPLASIA, TYPE IIA; PTC SYNDROME; SIPPLE SYNDROME; MEN 2A; MEN-2A syndrome. Identifiers: Orphanet 247698, Orphanet 653, MedGen C0025268, MeSH D018813, MONDO:0008234, OMIM 171400.

Submissions (3):

Labcorp Genetics (formerly Invitae), Labcorp
Classification: Likely benign for Multiple endocrine neoplasia, type 2. Last evaluated: 2025-10-24. Review status: criteria provided, single submitter. Criteria: Invitae Variant Classification Sherloc (09022015). Collection method: clinical testing. Allele origin: germline.

Myriad Genetics, Inc.
Classification: Benign for Multiple endocrine neoplasia type 2A. Last evaluated: 2025-02-27. Review status: criteria provided, single submitter. Criteria: Myriad Autosomal Dominant, Autosomal Recessive and X-Linked Classification Criteria (2023). Collection method: clinical testing. Allele origin: unknown.
Comment: This variant is considered benign. This variant is a silent/synonymous amino acid change and it is not expected to impact splicing.

Ambry Genetics
Classification: Likely benign for Hereditary cancer-predisposing syndrome. Last evaluated: 2020-10-15. Review status: criteria provided, single submitter. Criteria: Ambry Variant Classification Scheme 2023. Collection method: clinical testing. Allele origin: germline.

NM_020975.6(RET):c.2682C>T (p.Gly894=)

Gene: RET (ret proto-oncogene; plus strand). Cytogenetic location: 10q11.21.
Variant type: single nucleotide variant.
Coding change: c.2682C>T on transcript NM_020975.6 (MANE Select); coding-DNA position 2682, C replaced by T.
Protein change: p.Gly894=; no amino-acid change (glycine 894 retained).
Molecular consequence: synonymous variant.
Genome position (GRCh38, 1-based): chr10:43,120,155, C>T. VCF-style: chr10-43120155-C-T. GRCh37 (hg19) VCF-style: chr10-43615603-C-T.
Other names: c.2682C>T, p.Gly894= (NM_000323.2, NM_001406743.1, NM_001406744.1 and 4 more transcripts); c.1920C>T, p.Gly640= (NM_001355216.2); c.2553C>T, p.Gly851= (NM_001406761.1, NM_001406762.1, NM_001406764.1); c.2547C>T, p.Gly849= (NM_001406763.1, NM_001406765.1); c.2394C>T, p.Gly798= (NM_001406766.1, NM_001406767.1, NM_001406770.1); c.2418C>T, p.Gly806= (NM_001406768.1); c.2286C>T, p.Gly762= (NM_001406769.1, NM_001406772.1); c.2244C>T, p.Gly748= (NM_001406771.1, NM_001406773.1); and 10 more.
Identifiers: ClinVar variation 1794693 (VCV001794693.6), dbSNP rs2132962331, ClinGen allele CA469028883.